The following is an entry in ClinVar:

NM_000321.3(RB1):c.2594G>A (p.Gly865Glu)

Gene: RB1 (RB transcriptional corepressor 1; plus strand). Cytogenetic location: 13q14.2.
Variant type: single nucleotide variant.
Coding change: c.2594G>A on transcript NM_000321.3 (MANE Select); coding-DNA position 2594, G replaced by A.
Protein change: p.Gly865Glu; replaces glycine 865 with glutamic acid.
Molecular consequence: missense variant.
Genome position (GRCh38, 1-based): chr13:48,476,774, G>A. VCF-style: chr13-48476774-G-A. GRCh37 (hg19) VCF-style: chr13-49050910-G-A.
Other names: c.2594G>A, p.Gly865Glu (NM_001407165.1); c.44G>A, p.Gly15Glu (NM_001407168.1); short protein forms G15E, G865E.
Identifiers: ClinVar variation 5027930 (VCV005027930.1).
Genomic context (GRCh38, chr13:48,476,774, plus strand): 5'-TCCAGAAAATAAATCAGATGGTATGTAACAGCGACCGTGTGCTCAAAAGAAGTGCTGAAG[G>A]AAGCAACCCTCCTAAACCACTGAAAAAACTACGCTTTGATATTGAAGGATCAGATGAAGC-3'
Protein context (NP_000312.2, residues 855-875): SDRVLKRSAE[Gly865Glu]SNPPKPLKKL

ClinVar aggregate classification (germline): Uncertain significance (1 of 4 stars; one submission).

Conditions:
Hereditary cancer-predisposing syndrome. Also called: Neoplastic Syndromes, Hereditary; Tumor predisposition; Hereditary neoplastic syndrome; Hereditary Cancer Syndrome. Identifiers: Orphanet 140162, MedGen C0027672, MeSH D009386, MONDO:0015356.

Submission:

Ambry Genetics
Classification: Uncertain significance for Hereditary cancer-predisposing syndrome. Last evaluated: 2026-07-06. Review status: criteria provided, single submitter. Criteria: Ambry Variant Classification Scheme 2023. Collection method: clinical testing. Allele origin: germline.
Comment: The p.G865E variant (also known as c.2594G>A), located in coding exon 25 of the RB1 gene, results from a G to A substitution at nucleotide position 2594. The glycine at codon 865 is replaced by glutamic acid, an amino acid with similar properties. This amino acid position is conserved. In addition, this alteration is predicted to be tolerated by in silico analysis. Based on the available evidence, the clinical significance of this variant remains unclear.